The following is an entry in ClinVar:

NM_001378418.1(TCF20):c.364dup (p.Gln122fs)

Gene: TCF20 (transcription factor 20; minus strand). Cytogenetic location: 22q13.2.
Variant type: Duplication.
Coding change: c.364dup on transcript NM_001378418.1 (MANE Select); coding-DNA position 364, one base duplicated (C; older notation c.364dupC).
Protein change: p.Gln122fs; shifts the reading frame from glutamine 122.
Molecular consequence: frameshift variant.
Genome position (GRCh38, 1-based): chr22:42,214,942, G duplicated on the plus strand (C on the coding strand, the reverse complement: TCF20 is on the minus strand); the first of 7 consecutive G bases (chr22:42,214,942-42,214,948); duplicating any one gives the same sequence. VCF-style (leftmost placement, unchanged base first): chr22-42214941-T-TG. GRCh37 (hg19) VCF-style: chr22-42610947-T-TG.
Other names: c.364dupC (NM_005650.1, NM_001378418.1); c.364dup, p.Gln122fs (NM_005650.4, NM_181492.3); short protein forms Q122fs.
Identifiers: ClinVar variation 599640 (VCV000599640.7), dbSNP rs777979354, ClinGen allele CA10267371.

ClinVar aggregate classification (germline): Pathogenic. Review status: criteria provided, multiple submitters, no conflicts (2 of 4 stars). 3 submissions from 2 submitters: Pathogenic (2). 1 of the submissions does not count toward it. Last evaluated 2022-09-01.

Conditions:
Neurodevelopmental abnormality. Identifiers: MedGen C4022737, HP:0012759.
Developmental delay with variable intellectual impairment and behavioral abnormalities. Identifiers: MedGen C5193092, MONDO:0032745, OMIM 618430.

Submissions (3):

Genetics and Molecular Pathology, SA Pathology
Classification: Pathogenic for Developmental delay with variable intellectual impairment and behavioral abnormalities. Last evaluated: 2022-09-01. Review status: criteria provided, single submitter. Criteria: ACMG Guidelines, 2015. Collection method: clinical testing. Allele origin: germline. Affected: yes.

GeneDx
Classification: Pathogenic. Last evaluated: 2022-02-09. Review status: criteria provided, single submitter. Criteria: GeneDx Variant Classification Process June 2021. Collection method: clinical testing. Allele origin: germline. Affected: yes.
Comment: Frameshift variant predicted to result in protein truncation or nonsense mediated decay in a gene for which loss-of-function is a known mechanism of disease; This variant is associated with the following publications: (PMID: 27436265, 30739909)

GeneDx
Classification: Pathogenic for Neurodevelopmental abnormality. Last evaluated: 2018-11-14. Review status: flagged submission. Criteria: GeneDx Variant Classification (06012015). Collection method: clinical testing. Allele origin: de novo. Affected: yes. Not counted in ClinVar's aggregate classification.
ClinVar note: Reason: This record appears to be redundant with a more recent record from the same submitter.
ClinVar note: Notes: SCV000854585 appears to be redundant with SCV001167915.